The following is an entry in ClinVar:

NM_176824.3(BBS7):c.1897C>T (p.Gln633Ter)

Gene: BBS7 (Bardet-Biedl syndrome 7; minus strand). Cytogenetic location: 4q27.
Variant type: single nucleotide variant.
Coding change: c.1897C>T on transcript NM_176824.3 (MANE Select); coding-DNA position 1897, C replaced by T.
Protein change: p.Gln633Ter; replaces glutamine 633 with a stop codon.
Molecular consequence: nonsense.
Genome position (GRCh38, 1-based): chr4:121,828,263, G>A on the plus strand (C>T on the coding strand, the complement: BBS7 is on the minus strand). VCF-style: chr4-121828263-G-A. GRCh37 (hg19) VCF-style: chr4-122749418-G-A.
Other names: c.1897C>T, p.Gln633Ter (NM_018190.4); short protein forms Q633*.
Identifiers: ClinVar variation 2819870 (VCV002819870.4), dbSNP rs2476801952, ClinGen allele CA358054562.

ClinVar aggregate classification (germline): Pathogenic/Likely pathogenic. Review status: criteria provided, multiple submitters, no conflicts (2 of 4 stars). 2 submissions from 2 submitters: Pathogenic (1); Likely pathogenic (1). Last evaluated 2023-08-02.

Conditions:
Bardet-Biedl syndrome (BBS). Identifiers: Orphanet 110, MedGen C0752166, MONDO:0015229.
BBS7-related disorder. Also called: BBS7-related condition.

Submissions (2):

Labcorp Genetics (formerly Invitae), Labcorp
Classification: Pathogenic for Bardet-Biedl syndrome. Last evaluated: 2023-08-02. Review status: criteria provided, single submitter. Criteria: Invitae Variant Classification Sherloc (09022015). Collection method: clinical testing. Allele origin: germline.
Comment: This variant is not present in population databases (gnomAD no frequency). For these reasons, this variant has been classified as Pathogenic. This variant has not been reported in the literature in individuals affected with BBS7-related conditions. This sequence change creates a premature translational stop signal (p.Gln633*) in the BBS7 gene. It is expected to result in an absent or disrupted protein product. Loss-of-function variants in BBS7 are known to be pathogenic (PMID: 12567324, 19402160, 21209035, 31196119).

Blueprint Genetics
Classification: Likely pathogenic for BBS7-related disorders. Last evaluated: 2022-02-02. Review status: criteria provided, single submitter. Criteria: ACMG Guidelines, 2015. Collection method: clinical testing. Allele origin: germline. Affected: yes. Observed: 1 variant allele.

Literature cited by the submitters: PubMed 12567324 (cited by Labcorp Genetics (formerly Invitae), Labcorp); PubMed 19402160 (cited by Labcorp Genetics (formerly Invitae), Labcorp); PubMed 21209035 (cited by Labcorp Genetics (formerly Invitae), Labcorp); PubMed 31196119 (cited by Labcorp Genetics (formerly Invitae), Labcorp).